The following is an entry in ClinVar:

NM_003489.4(NRIP1):c.734G>C (p.Ser245Thr)

Gene: NRIP1 (nuclear receptor interacting protein 1; minus strand). Cytogenetic location: 21q11.2.
Variant type: single nucleotide variant.
Coding change: c.734G>C on transcript NM_003489.4 (MANE Select); coding-DNA position 734, G replaced by C.
Protein change: p.Ser245Thr; replaces serine 245 with threonine.
Molecular consequence: missense variant.
Genome position (GRCh38, 1-based): chr21:14,967,459, C>G on the plus strand (G>C on the coding strand, the complement: NRIP1 is on the minus strand). VCF-style: chr21-14967459-C-G. GRCh37 (hg19) VCF-style: chr21-16339780-C-G.
Other names: short protein forms S245T.
Identifiers: ClinVar variation 2343985 (VCV002343985.4), dbSNP rs139504918, ClinGen allele CA9981446.

ClinVar aggregate classification (germline): Uncertain significance. Review status: criteria provided, multiple submitters, no conflicts (2 of 4 stars). 2 submissions from 2 submitters: Uncertain significance (2). Last evaluated 2025-12-23.

Conditions:
Inborn genetic diseases. Identifiers: MedGen C0950123, MeSH D030342.

Allele frequency attached by ClinVar (database versions not stated): ExAC 0.00043; TOPMed 0.00043; gnomAD 0.00044; ESP Exome Variant Server 0.00054; gnomAD exomes 0.00096.
gnomAD v4.1: 1,450 of 1,613,802 alleles (0.09%); highest among the groups gnomAD compares: Non-Finnish European, 0.12%; 1 homozygote.

Submissions (2):

Labcorp Genetics (formerly Invitae), Labcorp
Classification: Uncertain significance. Last evaluated: 2025-12-23. Review status: criteria provided, single submitter. Criteria: Invitae Variant Classification Sherloc (09022015). Collection method: clinical testing. Allele origin: germline.
Comment: This sequence change replaces serine, which is neutral and polar, with threonine, which is neutral and polar, at codon 245 of the NRIP1 protein (p.Ser245Thr). This variant is present in population databases (rs139504918, gnomAD 0.08%), and has an allele count higher than expected for a pathogenic variant. This variant has not been reported in the literature in individuals affected with NRIP1-related conditions. ClinVar contains an entry for this variant (Variation ID: 2343985). An algorithm developed to predict the effect of missense changes on protein structure and function (PolyPhen-2) suggests that this variant is likely to be disruptive. In summary, the available evidence is currently insufficient to determine the role of this variant in disease. Therefore, it has been classified as a Variant of Uncertain Significance.

Ambry Genetics
Classification: Uncertain significance for Inborn genetic diseases. Last evaluated: 2024-08-21. Review status: criteria provided, single submitter. Criteria: Ambry Variant Classification Scheme 2023. Collection method: clinical testing. Allele origin: germline.